The following is an entry in ClinVar:

ClinVar aggregate classification (germline): Uncertain significance (1 of 4 stars; one submission).

Submission:

Dasa
Classification: Uncertain significance. Last evaluated: 2026-01-19. Review status: criteria provided, single submitter. Criteria: DASA Assertion Criteria. Collection method: clinical testing. Allele origin: germline.
Comment: NM_016148.5(SHANK1):c.880C>T (p.Pro294Ser) is a missense variant that results in the substitution of proline with serine. This variant is rare in population databases. The currently available literature and clinical evidence are not sufficient to establish a definitive association between this variant and the reported condition. Therefore, this variant is classified as a variant of uncertain significance.

NM_016148.5(SHANK1):c.880C>T (p.Pro294Ser)

Gene: SHANK1 (SH3 and multiple ankyrin repeat domains 1; minus strand). Cytogenetic location: 19q13.33.
Variant type: single nucleotide variant.
Coding change: c.880C>T on transcript NM_016148.5 (MANE Select); coding-DNA position 880, C replaced by T.
Protein change: p.Pro294Ser; replaces proline 294 with serine.
Molecular consequence: missense variant.
Genome position (GRCh38, 1-based): chr19:50,712,027, G>A on the plus strand (C>T on the coding strand, the complement: SHANK1 is on the minus strand). VCF-style: chr19-50712027-G-A. GRCh37 (hg19) VCF-style: chr19-51215284-G-A.
Other names: short protein forms P294S.
Identifiers: ClinVar variation 4883656 (VCV004883656.2).